The following is an entry in ClinVar:

ClinVar aggregate classification (germline): Conflicting classifications of pathogenicity. Review status: criteria provided, conflicting classifications (1 of 4 stars). 4 submissions from 4 submitters: Uncertain significance (3); Likely benign (1). Last evaluated 2020-07-06.

Conditions:
Dilated cardiomyopathy 1G (CMD1G). Identifiers: Orphanet 154, MedGen C1858763, MONDO:0011400, OMIM 604145.
Autosomal recessive limb-girdle muscular dystrophy type 2J (LGMDR10). Also called: Limb-girdle muscular dystrophy, type 2J; MUSCULAR DYSTROPHY, LIMB-GIRDLE, AUTOSOMAL RECESSIVE 10. Identifiers: Orphanet 140922, MedGen C1837342, MONDO:0012127, OMIM 608807.

Allele frequency attached by ClinVar (database versions not stated): gnomAD 0.00001; ExAC 0.00002; TOPMed 0.00005.
gnomAD v4.1: 8 of 1,613,304 alleles (0.0005%); highest among the groups gnomAD compares: Non-Finnish European, 0.00068%; no homozygotes.

Submissions (4):

Revvity Omics, Revvity
Classification: Uncertain significance. Last evaluated: 2020-07-06. Review status: criteria provided, single submitter. Criteria: ACMG Guidelines, 2015. Collection method: clinical testing. Allele origin: germline.

Athena Diagnostics
Classification: Uncertain significance. Last evaluated: 2018-02-09. Review status: criteria provided, single submitter. Criteria: Athena Diagnostics Criteria. Collection method: clinical testing. Allele origin: germline.

GeneDx
Classification: Likely benign. Last evaluated: 2017-07-17. Review status: criteria provided, single submitter. Criteria: GeneDx Variant Classification (06012015). Collection method: clinical testing. Allele origin: germline. Affected: yes.
Comment: This variant is considered likely benign or benign based on one or more of the following criteria: it is a conservative change, it occurs at a poorly conserved position in the protein, it is predicted to be benign by multiple in silico algorithms, and/or has population frequency not consistent with disease.

Labcorp Genetics (formerly Invitae), Labcorp
Classification: Uncertain significance for Dilated cardiomyopathy 1G; Autosomal recessive limb-girdle muscular dystrophy type 2J. Last evaluated: 2016-09-05. Review status: criteria provided, single submitter. Criteria: Invitae Variant Classification Sherloc (09022015). Collection method: clinical testing. Allele origin: germline.

NM_001267550.2(TTN):c.42840T>G (p.Asp14280Glu)

Gene: TTN (titin; minus strand). Cytogenetic location: 2q31.2.
Variant type: single nucleotide variant.
Coding change: c.42840T>G on transcript NM_001267550.2 (MANE Select); coding-DNA position 42840, T replaced by G.
Protein change: p.Asp14280Glu; replaces aspartic acid 14280 with glutamic acid.
Molecular consequence: missense variant.
Genome position (GRCh38, 1-based): chr2:178,633,519, A>C on the plus strand (T>G on the coding strand, the complement: TTN is on the minus strand). VCF-style: chr2-178633519-A-C. GRCh37 (hg19) VCF-style: chr2-179498246-A-C.
Other names: c.16020T>G, p.Asp5340Glu (NM_133432.3); c.16221T>G, p.Asp5407Glu (NM_133437.4); c.42840T>G (LRG_391t1); c.37917T>G, p.Asp12639Glu (NM_001256850.1); c.15645T>G, p.Asp5215Glu (NM_003319.4); c.35136T>G, p.Asp11712Glu (NM_133378.4); short protein forms D14280E, D12639E, D5215E, D5407E, D11712E, D5340E.
Identifiers: ClinVar variation 404688 (VCV000404688.7), dbSNP rs760643071, ClinGen allele CA1996010.